The following is an entry in ClinVar:

ClinVar aggregate classification (germline): Uncertain significance (1 of 4 stars; one submission).

Submission:

Labcorp Genetics (formerly Invitae), Labcorp
Classification: Uncertain significance. Last evaluated: 2025-06-07. Review status: criteria provided, single submitter. Criteria: Invitae Variant Classification Sherloc (09022015). Collection method: clinical testing. Allele origin: germline.
Comment: This sequence change replaces histidine, which is basic and polar, with arginine, which is basic and polar, at codon 111 of the ALPK3 protein (p.His111Arg). This variant is not present in population databases (gnomAD no frequency). This variant has not been reported in the literature in individuals affected with ALPK3-related conditions. An algorithm developed to predict the effect of missense changes on protein structure and function outputs the following: PolyPhen-2: "Benign". The arginine amino acid residue is found in multiple mammalian species, which suggests that this missense change does not adversely affect protein function. In summary, the available evidence is currently insufficient to determine the role of this variant in disease. Therefore, it has been classified as a Variant of Uncertain Significance.

NC_000015.10:g.84817178A>G

Gene: ALPK3 (alpha kinase 3; plus strand). Cytogenetic location: 15q25.3.
Variant type: single nucleotide variant.
Genome position: GRCh38 VCF-style: chr15-84817178-A-G. GRCh37 (hg19) VCF-style: chr15-85360409-A-G.
Identifiers: ClinVar variation 4702991 (VCV004702991.1).